The following is an entry in ClinVar:

NM_018127.7(ELAC2):c.2114C>A (p.Thr705Lys)

Gene: ELAC2 (elaC ribonuclease Z 2; minus strand). Cytogenetic location: 17p12.
Variant type: single nucleotide variant.
Coding change: c.2114C>A on transcript NM_018127.7 (MANE Select); coding-DNA position 2114, C replaced by A.
Protein change: p.Thr705Lys; replaces threonine 705 with lysine.
Molecular consequence: missense variant.
Genome position (GRCh38, 1-based): chr17:12,993,826, G>T on the plus strand (C>A on the coding strand, the complement: ELAC2 is on the minus strand). VCF-style: chr17-12993826-G-T. GRCh37 (hg19) VCF-style: chr17-12897143-G-T.
Other names: c.1994C>A, p.Thr665Lys (NM_001165962.2); c.2111C>A, p.Thr704Lys (NM_173717.2); short protein forms T665K, T704K, T705K.
Identifiers: ClinVar variation 2089985 (VCV002089985.4), dbSNP rs777484538, ClinGen allele CA398222778.

ClinVar aggregate classification (germline): Uncertain significance (1 of 4 stars; one submission).

Conditions:
Combined oxidative phosphorylation defect type 17. Also called: Combined oxidative phosphorylation deficiency 17. Identifiers: Orphanet 369913, MedGen C3809526, MONDO:0014190, OMIM 615440.

Submission:

Labcorp Genetics (formerly Invitae), Labcorp
Classification: Uncertain significance for Combined oxidative phosphorylation defect type 17. Last evaluated: 2022-01-26. Review status: criteria provided, single submitter. Criteria: Invitae Variant Classification Sherloc (09022015). Collection method: clinical testing. Allele origin: germline.
Comment: Algorithms developed to predict the effect of missense changes on protein structure and function are either unavailable or do not agree on the potential impact of this missense change (SIFT: "Deleterious"; PolyPhen-2: "Probably Damaging"; Align-GVGD: "Class C0"). In summary, the available evidence is currently insufficient to determine the role of this variant in disease. Therefore, it has been classified as a Variant of Uncertain Significance. This variant has not been reported in the literature in individuals affected with ELAC2-related conditions. This variant is not present in population databases (gnomAD no frequency). This sequence change replaces threonine, which is neutral and polar, with lysine, which is basic and polar, at codon 705 of the ELAC2 protein (p.Thr705Lys).